The following is an entry in ClinVar:

ClinVar aggregate classification (germline): Pathogenic (1 of 4 stars; one submission).

Submission:

Labcorp Genetics (formerly Invitae), Labcorp
Classification: Pathogenic. Last evaluated: 2024-06-11. Review status: criteria provided, single submitter. Criteria: Invitae Variant Classification Sherloc (09022015). Collection method: clinical testing. Allele origin: germline.
Comment: This sequence change creates a premature translational stop signal (p.Phe476Leufs*2) in the TRPM1 gene. It is expected to result in an absent or disrupted protein product. Loss-of-function variants in TRPM1 are known to be pathogenic (PMID: 19896113, 19966281, 20300565). This variant is present in population databases (rs751023959, gnomAD 0.003%). This variant has not been reported in the literature in individuals affected with TRPM1-related conditions. For these reasons, this variant has been classified as Pathogenic.

Literature cited by the submitters: PubMed 19896113; PubMed 19966281; PubMed 20300565.

NM_001252024.2(TRPM1):c.1491del (p.Phe498fs)

Gene: TRPM1 (transient receptor potential cation channel subfamily M member 1; minus strand). Cytogenetic location: 15q13.3.
Variant type: Deletion.
Coding change: c.1491del on transcript NM_001252024.2 (MANE Select); coding-DNA position 1491, one base deleted (C; older notation c.1491delC).
Protein change: p.Phe498fs; shifts the reading frame from phenylalanine 498.
Molecular consequence: frameshift variant.
Genome position (GRCh38, 1-based): chr15:31,049,456, G deleted on the plus strand (C on the coding strand, the reverse complement: TRPM1 is on the minus strand). VCF-style (leftmost placement, unchanged base first): chr15-31049455-AG-A. GRCh37 (hg19) VCF-style: chr15-31341658-AG-A.
Other names: c.1425del, p.Phe476fs (NM_002420.6); c.1542del, p.Phe515fs (NM_001252020.2); short protein forms F498fs, F476fs, F515fs.
Identifiers: ClinVar variation 3712275 (VCV003712275.2).